The following is an entry in ClinVar:

ClinVar aggregate classification (germline): Uncertain significance (1 of 4 stars; one submission).

Conditions:
Hereditary cancer-predisposing syndrome. Also called: Neoplastic Syndromes, Hereditary; Tumor predisposition; Hereditary Cancer Syndrome; Hereditary neoplastic syndrome. Identifiers: Orphanet 140162, MedGen C0027672, MeSH D009386, MONDO:0015356.

Submission:

Ambry Genetics
Classification: Uncertain significance for Hereditary cancer-predisposing syndrome. Last evaluated: 2026-03-02. Review status: criteria provided, single submitter. Criteria: Ambry Variant Classification Scheme 2023. Collection method: clinical testing. Allele origin: germline.
Comment: The p.E2035K variant (also known as c.6103G>A), located in coding exon 15 of the APC gene, results from a G to A substitution at nucleotide position 6103. The glutamic acid at codon 2035 is replaced by lysine, an amino acid with similar properties. This amino acid position is highly conserved in available vertebrate species. In addition, in silico predictors for this gene do not accurately predict pathogenicity. Missense variants in APC are not a common cause of disease (Spier I et al. Genet Med. 2024 Feb;26(2):100992). Based on the available evidence, the clinical significance of this variant remains unclear.

NM_000038.6(APC):c.6103G>A (p.Glu2035Lys)

Gene: APC (APC regulator of Wnt signaling pathway; plus strand). Cytogenetic location: 5q22.2.
Variant type: single nucleotide variant.
Coding change: c.6103G>A on transcript NM_000038.6 (MANE Select); coding-DNA position 6103, G replaced by A.
Protein change: p.Glu2035Lys; replaces glutamic acid 2035 with lysine.
Molecular consequence: missense variant. On other transcripts: non-coding transcript variant (2).
Genome position (GRCh38, 1-based): chr5:112,841,697, G>A. VCF-style: chr5-112841697-G-A. GRCh37 (hg19) VCF-style: chr5-112177394-G-A.
Other names: c.6103G>A, p.Glu2035Lys (NM_001127510.3, NM_001354895.2, NM_001407450.1); c.6049G>A, p.Glu2017Lys (NM_001127511.3); c.6157G>A, p.Glu2053Lys (NM_001354896.2, NM_001407447.1, NM_001407448.1 and 1 more transcripts); c.6133G>A, p.Glu2045Lys (NM_001354897.2); c.6028G>A, p.Glu2010Lys (NM_001354898.2); c.6019G>A, p.Glu2007Lys (NM_001354899.2); c.5980G>A, p.Glu1994Lys (NM_001354900.2); c.5926G>A, p.Glu1976Lys (NM_001354901.2, NM_001407453.1); and 11 more; short protein forms E1752K, E1906K, E1909K, E1952K, E2017K, E2028K, E2053K, E1976K.
Identifiers: ClinVar variation 4827293 (VCV004827293.1).
Genomic context (GRCh38, chr5:112,841,697, plus strand): 5'-GAAGATACCCCAGTTTGTTTCTCAAGAAACAGTTCTCTCAGTTCTCTTAGTATTGACTCT[G>A]AAGATGACCTGTTGCAGGAATGTATAAGCTCCGCAATGCCAAAAAAGAAAAAGCCTTCAA-3'
Protein context (NP_000029.2, residues 2025-2045): SSLSSLSIDS[Glu2035Lys]DDLLQECISS